The following is an entry in ClinVar:

NM_013314.4(BLNK):c.252C>A (p.Tyr84Ter)

Gene: BLNK (B cell linker; minus strand). Cytogenetic location: 10q24.1.
Variant type: single nucleotide variant.
Coding change: c.252C>A on transcript NM_013314.4 (MANE Select); coding-DNA position 252, C replaced by A.
Protein change: p.Tyr84Ter; replaces tyrosine 84 with a stop codon.
Molecular consequence: nonsense. On other transcripts: non-coding transcript variant (4).
Genome position (GRCh38, 1-based): chr10:96,227,519, G>T on the plus strand (C>A on the coding strand, the complement: BLNK is on the minus strand). VCF-style: chr10-96227519-G-T. GRCh37 (hg19) VCF-style: chr10-97987275-G-T.
Other names: c.252C>A, p.Tyr84Ter (NM_001114094.2, NM_001258440.2, NM_001258441.2 and 1 more transcripts); short protein forms Y84*.
Identifiers: ClinVar variation 3661859 (VCV003661859.2).

ClinVar aggregate classification (germline): Pathogenic (1 of 4 stars; one submission).

Conditions:
Agammaglobulinemia 4, autosomal recessive (AGM4). Also called: B cell linker protein deficiency; AGAMMAGLOBULINEMIA, AUTOSOMAL RECESSIVE, DUE TO BLNK DEFECT. Identifiers: MedGen C3150752, MONDO:0013289, OMIM 613502.

Submission:

Labcorp Genetics (formerly Invitae), Labcorp
Classification: Pathogenic for Agammaglobulinemia 4, autosomal recessive. Last evaluated: 2024-08-09. Review status: criteria provided, single submitter. Criteria: Invitae Variant Classification Sherloc (09022015). Collection method: clinical testing. Allele origin: germline.
Comment: This sequence change creates a premature translational stop signal (p.Tyr84*) in the BLNK gene. It is expected to result in an absent or disrupted protein product. Loss-of-function variants in BLNK are known to be pathogenic (PMID: 10583958, 24582315). This variant is not present in population databases (gnomAD no frequency). This variant has not been reported in the literature in individuals affected with BLNK-related conditions. For these reasons, this variant has been classified as Pathogenic.

Literature cited by the submitters: PubMed 10583958; PubMed 24582315.